The following is an entry in ClinVar:

ClinVar aggregate classification (germline): Uncertain significance (1 of 4 stars; one submission).

Conditions:
KBG syndrome (KBGS). Also called: ANKRD11-Related KBG Syndrome. Identifiers: Orphanet 2332, MedGen C0220687, MONDO:0007846, OMIM 148050.

Submission:

Labcorp Genetics (formerly Invitae), Labcorp
Classification: Uncertain significance for KBG syndrome. Last evaluated: 2022-01-16. Review status: criteria provided, single submitter. Criteria: Invitae Variant Classification Sherloc (09022015). Collection method: clinical testing. Allele origin: germline.
Comment: In summary, the available evidence is currently insufficient to determine the role of this variant in disease. Therefore, it has been classified as a Variant of Uncertain Significance. This sequence change replaces glutamine, which is neutral and polar, with histidine, which is basic and polar, at codon 448 of the ANKRD11 protein (p.Gln448His). This variant is not present in population databases (gnomAD no frequency). This variant has not been reported in the literature in individuals affected with ANKRD11-related conditions. Advanced modeling of protein sequence and biophysical properties (such as structural, functional, and spatial information, amino acid conservation, physicochemical variation, residue mobility, and thermodynamic stability) performed at Invitae indicates that this missense variant is not expected to disrupt ANKRD11 protein function.

NM_013275.6(ANKRD11):c.1344G>T (p.Gln448His)

Gene: ANKRD11 (ankyrin repeat domain 11; minus strand). Cytogenetic location: 16q24.3.
Variant type: single nucleotide variant.
Coding change: c.1344G>T on transcript NM_013275.6 (MANE Select); coding-DNA position 1344, G replaced by T.
Protein change: p.Gln448His; replaces glutamine 448 with histidine.
Molecular consequence: missense variant.
Genome position (GRCh38, 1-based): chr16:89,285,198, C>A on the plus strand (G>T on the coding strand, the complement: ANKRD11 is on the minus strand). VCF-style: chr16-89285198-C-A. GRCh37 (hg19) VCF-style: chr16-89351606-C-A.
Other names: c.1344G>T, p.Gln448His (NM_001256182.2, NM_001256183.2); short protein forms Q448H.
Identifiers: ClinVar variation 1395586 (VCV001395586.6), dbSNP rs1453115376, ClinGen allele CA397165162.